The following is an entry in ClinVar:

NM_001114753.3(ENG):c.1480C>G (p.His494Asp)

Genes: ENG (endoglin; minus strand), LOC102723566 (uncharacterized LOC102723566; plus strand). Cytogenetic location: 9q34.11.
Variant type: single nucleotide variant.
Coding change: c.1480C>G on transcript NM_001114753.3 (MANE Select); coding-DNA position 1480, C replaced by G.
Protein change: p.His494Asp; replaces histidine 494 with aspartic acid.
Molecular consequence: missense variant. On other transcripts: non-coding transcript variant (1).
Genome position (GRCh38, 1-based): chr9:127,818,326, G>C on the plus strand (C>G on the coding strand, the complement: ENG is on the minus strand). VCF-style: chr9-127818326-G-C. GRCh37 (hg19) VCF-style: chr9-130580605-G-C.
Other names: c.1480C>G, p.His494Asp (NM_000118.4); c.934C>G, p.His312Asp (NM_001278138.2); c.1480C>G (NM_000118.2, NM_001114753.1); short protein forms H494D, H312D.
Identifiers: ClinVar variation 1382556 (VCV001382556.11), dbSNP rs775718026, ClinGen allele CA5252751.
Genomic context (GRCh38, chr9:127,818,326, plus strand): 5'-CCTTGGCCGCCCGGCCCTGGATGAGTTCCACGGTGCCTCCCTCAGGCCCCAAGTCCAGGT[G>C]GCAGCTGTCTAACTGGAGCAGGAACTCGGAGACGGATGGGGACACTCTGACCTGCATGGG-3'
Protein context (NP_001108225.1, residues 484-504): SEFLLQLDSC[His494Asp]LDLGPEGGTV

ClinVar aggregate classification (germline): Conflicting classifications of pathogenicity. Review status: criteria provided, conflicting classifications (1 of 4 stars). 3 submissions from 3 submitters: Uncertain significance (1); Likely benign (2). Last evaluated 2026-05-17.

Conditions:
Hereditary hemorrhagic telangiectasia (HHT). Also called: ORW DISEASE; Osler Weber Rendu syndrome; OSLER-RENDU-WEBER DISEASE; Osler hemorrhagic telangiectasia syndrome. Identifiers: Orphanet 774, MedGen C0039445, MONDO:0019180. Disease mechanism: loss of function.
Cardiovascular phenotype. Identifiers: MedGen CN230736.

Allele frequency attached by ClinVar (database versions not stated): gnomAD exomes below 0.00001 and 0.00001; ExAC 0.00001; gnomAD 0.00001.
gnomAD v4.1: 4 of 1,613,958 alleles (0.00025%); highest among the groups gnomAD compares: African/African-American, 0.0027%; no homozygotes.

Submissions (3):

Ambry Genetics
Classification: Likely benign for Cardiovascular phenotype. Last evaluated: 2026-05-17. Review status: criteria provided, single submitter. Criteria: Ambry Variant Classification Scheme 2023. Collection method: clinical testing. Allele origin: germline.

GeneDx
Classification: Uncertain significance. Last evaluated: 2025-05-21. Review status: criteria provided, single submitter. Criteria: GeneDx Variant Classification Process June 2021. Collection method: clinical testing. Allele origin: germline. Affected: yes.
Comment: Not observed at significant frequency in large population cohorts (gnomAD); In silico analysis supports that this missense variant has a deleterious effect on protein structure/function; Has not been previously published as pathogenic or benign to our knowledge

Labcorp Genetics (formerly Invitae), Labcorp
Classification: Likely benign for Hereditary hemorrhagic telangiectasia. Last evaluated: 2022-02-24. Review status: criteria provided, single submitter. Criteria: Invitae Variant Classification Sherloc (09022015). Collection method: clinical testing. Allele origin: germline.